The following is an entry in ClinVar:

ClinVar aggregate classification (germline): Uncertain significance (1 of 4 stars; one submission).

Submission:

Women's Health and Genetics/Laboratory Corporation of America, LabCorp
Classification: Uncertain significance. Last evaluated: 2023-11-21. Review status: criteria provided, single submitter. Criteria: LabCorp Variant Classification Summary - May 2015. Collection method: clinical testing. Allele origin: germline.
Comment: Variant summary: NCAPG2 c.1004T>G (p.Leu335Arg) results in a non-conservative amino acid change in the encoded protein sequence. Five of five in-silico tools predict a damaging effect of the variant on protein function. The variant was absent in 240324 control chromosomes. The available data on variant occurrences in the general population are insufficient to allow any conclusion about variant significance. To our knowledge, no occurrence of c.1004T>G in individuals affected with Khan Khan Katsanis Syndrome and no experimental evidence demonstrating its impact on protein function have been reported. No submitters have cited clinical-significance assessments for this variant to ClinVar after 2014. Based on the evidence outlined above, the variant was classified as uncertain significance.

NM_017760.7(NCAPG2):c.1004T>G (p.Leu335Arg)

Gene: NCAPG2 (non-SMC condensin II complex subunit G2; minus strand). Cytogenetic location: 7q36.3.
Variant type: single nucleotide variant.
Coding change: c.1004T>G on transcript NM_017760.7 (MANE Select); coding-DNA position 1004, T replaced by G.
Protein change: p.Leu335Arg; replaces leucine 335 with arginine.
Molecular consequence: missense variant. On other transcripts: non-coding transcript variant (1).
Genome position (GRCh38, 1-based): chr7:158,680,737, A>C on the plus strand (T>G on the coding strand, the complement: NCAPG2 is on the minus strand). VCF-style: chr7-158680737-A-C. GRCh37 (hg19) VCF-style: chr7-158473429-A-C.
Other names: c.1004T>G, p.Leu335Arg (NM_001281932.2, NM_001281933.2); short protein forms L335R.
Identifiers: ClinVar variation 2682230 (VCV002682230.1), dbSNP rs890349807, ClinGen allele CA170009331.
Genomic context (GRCh38, chr7:158,680,737, plus strand): 5'-AAGTAGTACATTCCAAACACGGATAAACTATTTGAAATGTATACCTTTAATCCTCTCCAA[A>C]GGATGGGCTTATATAATCTATAAAGCATCTCTTCCACTCCCTGCCGAACTTTCTTTTGAT-3'
Protein context (NP_060230.5, residues 325-345): EMLYRLYKPI[Leu335Arg]WRGLKARNSE